The following is an entry in ClinVar:

NM_003124.5(SPR):c.523G>A (p.Ala175Thr)

Gene: SPR (sepiapterin reductase; plus strand). Cytogenetic location: 2p13.2.
Variant type: single nucleotide variant.
Coding change: c.523G>A on transcript NM_003124.5 (MANE Select); coding-DNA position 523, G replaced by A.
Protein change: p.Ala175Thr; replaces alanine 175 with threonine.
Molecular consequence: missense variant.
Genome position (GRCh38, 1-based): chr2:72,888,532, G>A. VCF-style: chr2-72888532-G-A. GRCh37 (hg19) VCF-style: chr2-73115661-G-A.
Other names: short protein forms A175T.
Identifiers: ClinVar variation 526215 (VCV000526215.1), dbSNP rs1042194044, ClinGen allele CA49796347.

ClinVar aggregate classification (germline): Uncertain significance (1 of 4 stars; one submission).

Conditions:
Dystonic disorder. Also called: Dystonia. Identifiers: MedGen C0013421, MONDO:0003441, HP:0001332.

Allele frequency attached by ClinVar (database versions not stated): gnomAD exomes below 0.00001; gnomAD 0.00001; TOPMed 0.00001.
gnomAD v4.1: 3 of 1,604,582 alleles (0.00019%); highest among the groups gnomAD compares: African/African-American, 0.004%; no homozygotes.

Submission:

Labcorp Genetics (formerly Invitae), Labcorp
Classification: Uncertain significance for Dystonic disorder. Last evaluated: 2017-08-24. Review status: criteria provided, single submitter. Criteria: Invitae Variant Classification Sherloc (09022015). Collection method: clinical testing. Allele origin: germline.
Comment: This sequence change replaces alanine with threonine at codon 175 of the SPR protein (p.Ala175Thr). The alanine residue is highly conserved and there is a small physicochemical difference between alanine and threonine. This variant is not present in population databases (ExAC no frequency). This variant has not been reported in the literature in individuals with SPR-related disease. Algorithms developed to predict the effect of missense changes on protein structure and function (SIFT, PolyPhen-2, Align-GVGD) all suggest that this variant is likely to be disruptive, but these predictions have not been confirmed by published functional studies and their clinical significance is uncertain. In summary, the available evidence is currently insufficient to determine the role of this variant in disease. Therefore, it has been classified as a Variant of Uncertain Significance.